The following is an entry in ClinVar:

ClinVar aggregate classification (germline): Uncertain significance (1 of 4 stars; one submission).

Conditions:
Hyperphosphatasia with impaired intellectual development syndrome 2. Also called: Hyperphosphatasia with intellectual disability syndrome 2; GLYCOSYLPHOSPHATIDYLINOSITOL BIOSYNTHESIS DEFECT 6. Identifiers: Orphanet 247262, MedGen C3553637, MONDO:0013882, OMIM 614749.

Allele frequency attached by ClinVar (database versions not stated): ExAC 0.00001; TOPMed 0.00001; gnomAD exomes 0.00001.
gnomAD v4.1: 5 of 1,614,152 alleles (0.00031%); highest among the groups gnomAD compares: Admixed American, 0.0033%; no homozygotes.

Submission:

Labcorp Genetics (formerly Invitae), Labcorp
Classification: Uncertain significance for Hyperphosphatasia with impaired intellectual development syndrome 2. Last evaluated: 2017-10-18. Review status: criteria provided, single submitter. Criteria: Invitae Variant Classification Sherloc (09022015). Collection method: clinical testing. Allele origin: germline.
Comment: This sequence change replaces glutamine with histidine at codon 108 of the PIGO protein (p.Gln108His). The glutamine residue is moderately conserved and there is a small physicochemical difference between glutamine and histidine. In summary, the available evidence is currently insufficient to determine the role of this variant in disease. Therefore, it has been classified as a Variant of Uncertain Significance. Algorithms developed to predict the effect of missense changes on protein structure and function (SIFT, PolyPhen-2, Align-GVGD) all suggest that this variant is likely to be tolerated, but these predictions have not been confirmed by published functional studies and their clinical significance is uncertain. This variant has not been reported in the literature in individuals with PIGO-related disease. This variant is present in population databases (rs773937388, ExAC 0.009%).

NM_032634.4(PIGO):c.324G>T (p.Gln108His)

Gene: PIGO (phosphatidylinositol glycan anchor biosynthesis class O; minus strand). Cytogenetic location: 9p13.3.
Variant type: single nucleotide variant.
Coding change: c.324G>T on transcript NM_032634.4 (MANE Select); coding-DNA position 324, G replaced by T.
Protein change: p.Gln108His; replaces glutamine 108 with histidine.
Molecular consequence: missense variant.
Genome position (GRCh38, 1-based): chr9:35,095,242, C>A on the plus strand (G>T on the coding strand, the complement: PIGO is on the minus strand). VCF-style: chr9-35095242-C-A. GRCh37 (hg19) VCF-style: chr9-35095239-C-A.
Other names: c.324G>T, p.Gln108His (NM_001201484.2, NM_152850.4); short protein forms Q108H.
Identifiers: ClinVar variation 540446 (VCV000540446.8), dbSNP rs773937388, ClinGen allele CA5040972.
Genomic context (GRCh38, chr9:35,095,242, plus strand): 5'-AGGAGGGTCAACCTGAGATCGGTAGAGCCGGGCATGGTGGGGCTGAATCTCCAGGATCCT[C>A]TGCAAGGAGCTTAGTTTGCCCAGGAAGGGTAGGGAGACAGGAGGCTCTCTAGGCACGTGT-3'
Protein context (NP_116023.2, residues 98-118): LPFLGKLSSL[Gln108His]RILEIQPHHA